The following is an entry in ClinVar:

NM_013435.3(RAX):c.684G>A (p.Pro228=)

Genes: RAX (retina and anterior neural fold homeobox; minus strand), LOC130062601 (ATAC-STARR-seq lymphoblastoid silent region 9492; plus strand). Cytogenetic location: 18q21.32.
Variant type: single nucleotide variant.
Coding change: c.684G>A on transcript NM_013435.3 (MANE Select); coding-DNA position 684, G replaced by A.
Protein change: p.Pro228=; no amino-acid change (proline 228 retained).
Molecular consequence: synonymous variant.
Genome position (GRCh38, 1-based): chr18:59,269,361, C>T on the plus strand (G>A on the coding strand, the complement: RAX is on the minus strand). VCF-style: chr18-59269361-C-T. GRCh37 (hg19) VCF-style: chr18-56936593-C-T.
Identifiers: ClinVar variation 3031812 (VCV003031812.2), dbSNP rs770291686, ClinGen allele CA8979278.
Genomic context (GRCh38, chr18:59,269,361, plus strand): 5'-CGGCGGCCCGAGCCAGGACTCCAGCGGCAGCGCGCCCCCAGCCGGCCCGCCACCGCTGCC[C>T]GGGCCCGCCCCGAGGGGCGACAGCGTCGCGGAGGGCGGGGAGCGGCTGAAGGAGAGGAGG-3'
Protein context (NP_038463.2, residues 218-238): SATLSPLGAG[Pro228=]GSGGGPAGGA

ClinVar aggregate classification (germline): Likely benign (0 of 4 stars; one submission).

Conditions:
RAX-related disorder. Also called: RAX-related condition.

Allele frequency attached by ClinVar (database versions not stated): gnomAD exomes below 0.00001; TOPMed below 0.00001; gnomAD 0.00001; ExAC 0.00016.

Submission:

PreventionGenetics, part of Exact Sciences
Classification: Likely benign for RAX-related condition. Last evaluated: 2020-09-25. Review status: no assertion criteria provided. Collection method: clinical testing. Allele origin: germline.
Comment: This variant is classified as likely benign based on ACMG/AMP sequence variant interpretation guidelines (Richards et al. 2015 PMID: 25741868, with internal and published modifications).